The following is an entry in ClinVar:

ClinVar aggregate classification (germline): Uncertain significance (1 of 4 stars; one submission).

gnomAD v4.1: 37 of 1,613,868 alleles (0.0023%); highest among the groups gnomAD compares: South Asian, 0.037%; 1 homozygote.

Submission:

Ambry Genetics
Classification: Uncertain significance. Last evaluated: 2024-12-22. Review status: criteria provided, single submitter. Criteria: Ambry Variant Classification Scheme 2023. Collection method: clinical testing. Allele origin: germline.
Comment: The p.P530L variant (also known as c.1589C>T), located in coding exon 2 of the CDK12 gene, results from a C to T substitution at nucleotide position 1589. The proline at codon 530 is replaced by leucine, an amino acid with similar properties. This amino acid position is conserved. In addition, this alteration is predicted to be tolerated by in silico analysis. Based on the available evidence, the clinical significance of this variant remains unclear.

NM_016507.4(CDK12):c.1589C>T (p.Pro530Leu)

Gene: CDK12 (cyclin dependent kinase 12; plus strand). Cytogenetic location: 17q12.
Variant type: single nucleotide variant.
Coding change: c.1589C>T on transcript NM_016507.4 (MANE Select); coding-DNA position 1589, C replaced by T.
Protein change: p.Pro530Leu; replaces proline 530 with leucine.
Molecular consequence: missense variant.
Genome position (GRCh38, 1-based): chr17:39,471,421, C>T. VCF-style: chr17-39471421-C-T. GRCh37 (hg19) VCF-style: chr17-37627674-C-T.
Other names: c.1589C>T, p.Pro530Leu (NM_015083.4); short protein forms P530L.
Identifiers: ClinVar variation 3489418 (VCV003489418.2).